The following is an entry in ClinVar:

ClinVar aggregate classification (germline): Uncertain significance (1 of 4 stars; one submission).

Submission:

Labcorp Genetics (formerly Invitae), Labcorp
Classification: Uncertain significance. Last evaluated: 2021-05-12. Review status: criteria provided, single submitter. Criteria: Invitae Variant Classification Sherloc (09022015). Collection method: clinical testing. Allele origin: germline.
Comment: In summary, the available evidence is currently insufficient to determine the role of this variant in disease. Therefore, it has been classified as a Variant of Uncertain Significance. Algorithms developed to predict the effect of missense changes on protein structure and function (SIFT, PolyPhen-2, Align-GVGD) all suggest that this variant is likely to be disruptive, but these predictions have not been confirmed by published functional studies and their clinical significance is uncertain. This variant has not been reported in the literature in individuals with LMX1B-related conditions. This variant is not present in population databases (ExAC no frequency). This sequence change replaces proline with arginine at codon 244 of the LMX1B protein (p.Pro244Arg). The proline residue is highly conserved and there is a moderate physicochemical difference between proline and arginine.

NM_001174147.2(LMX1B):c.731C>G (p.Pro244Arg)

Gene: LMX1B (LIM homeobox transcription factor 1 beta; plus strand). Cytogenetic location: 9q33.3.
Variant type: single nucleotide variant.
Coding change: c.731C>G on transcript NM_001174147.2 (MANE Select); coding-DNA position 731, C replaced by G.
Protein change: p.Pro244Arg; replaces proline 244 with arginine.
Molecular consequence: missense variant.
Genome position (GRCh38, 1-based): chr9:126,693,313, C>G. VCF-style: chr9-126693313-C-G. GRCh37 (hg19) VCF-style: chr9-129455592-C-G.
Other names: c.731C>G, p.Pro244Arg (NM_001174146.2, NM_002316.4); short protein forms P244R.
Identifiers: ClinVar variation 1465150 (VCV001465150.8), dbSNP rs2118992203, ClinGen allele CA374913701.